The following is an entry in ClinVar:

ClinVar aggregate classification (germline): other (0 of 4 stars; one submission).

Conditions:
Familial colorectal cancer. Identifiers: MedGen CN280943, MONDO:0023113. Disease mechanism: loss of function.

Allele frequency attached by ClinVar (database versions not stated): gnomAD exomes 0.00002; gnomAD 0.00003; TOPMed 0.00006; 1000 Genomes Project 30x 0.00031.
gnomAD v4.1: 20 of 757,300 alleles (0.0026%); highest among the groups gnomAD compares: Admixed American, 0.022%; no homozygotes.

Submission:

Systems Biology Platform Zhejiang California International NanoSystems Institute
Classification: other for Familial colorectal cancer. Review status: no assertion criteria provided. Collection method: not provided. Allele origin: unknown.
ClinVar note: Converted during submission from cancer to other.

NM_000038.6(APC):c.1626+135T>C

Gene: APC (APC regulator of WNT signaling pathway; plus strand). Cytogenetic location: 5q22.2.
Variant type: single nucleotide variant.
Coding change: c.1626+135T>C on transcript NM_000038.6 (MANE Select); 135 bases into the intron after coding-DNA position 1626, T replaced by C.
Molecular consequence: intron variant.
Genome position (GRCh38, 1-based): chr5:112,828,141, T>C. VCF-style: chr5-112828141-T-C. GRCh37 (hg19) VCF-style: chr5-112163838-T-C.
Other names: c.1626+135T>C (NM_001354895.2, NM_001127510.3); c.1656+135T>C (NM_001354897.2); c.1353+135T>C (NM_001354902.2); c.1572+135T>C (NM_001127511.3); c.1551+135T>C (NM_001354898.2); c.1248+135T>C (NM_001354904.2); c.777+135T>C (NM_001354906.2); c.1680+135T>C (NM_001354896.2); and 5 more.
Identifiers: ClinVar variation 83160 (VCV000083160.2), dbSNP rs74725935, ClinGen allele CA005381.